The following is an entry in ClinVar:

NM_000222.3(KIT):c.2090A>T (p.His697Leu)

Gene: KIT (KIT proto-oncogene, receptor tyrosine kinase; plus strand). Cytogenetic location: 4q12.
Variant type: single nucleotide variant.
Coding change: c.2090A>T on transcript NM_000222.3 (MANE Select); coding-DNA position 2090, A replaced by T.
Protein change: p.His697Leu; replaces histidine 697 with leucine.
Molecular consequence: missense variant.
Genome position (GRCh38, 1-based): chr4:54,729,434, A>T. VCF-style: chr4-54729434-A-T. GRCh37 (hg19) VCF-style: chr4-55595600-A-T.
Other names: c.2078A>T, p.His693Leu (NM_001093772.2, NM_001385286.1); c.2093A>T, p.His698Leu (NM_001385284.1, NM_001385290.1); c.2090A>T, p.His697Leu (NM_001385285.1); c.2081A>T, p.His694Leu (NM_001385288.1, NM_001385292.1); short protein forms H697L, H693L, H694L, H698L.
Identifiers: ClinVar variation 1785730 (VCV001785730.7), dbSNP rs1414253704, ClinGen allele CA356909711.

ClinVar aggregate classification (germline): Uncertain significance. Review status: criteria provided, multiple submitters, no conflicts (2 of 4 stars). 2 submissions from 2 submitters: Uncertain significance (2). Last evaluated 2023-08-17.

Conditions:
Gastrointestinal stromal tumor. Also called: Gastrointestinal stromal tumor, somatic; Gastrointestinal stroma tumor. Identifiers: Orphanet 44890, MedGen C0238198, MeSH D046152, MONDO:0011719, OMIM 606764, HP:0100723.
Hereditary cancer-predisposing syndrome. Also called: Neoplastic Syndromes, Hereditary; Tumor predisposition; Hereditary Cancer Syndrome; Hereditary neoplastic syndrome. Identifiers: Orphanet 140162, MedGen C0027672, MeSH D009386, MONDO:0015356.

Submissions (2):

Labcorp Genetics (formerly Invitae), Labcorp
Classification: Uncertain significance for Gastrointestinal stromal tumor. Last evaluated: 2023-08-17. Review status: criteria provided, single submitter. Criteria: Invitae Variant Classification Sherloc (09022015). Collection method: clinical testing. Allele origin: germline.
Comment: In summary, the available evidence is currently insufficient to determine the role of this variant in disease. Therefore, it has been classified as a Variant of Uncertain Significance. An algorithm developed to predict the effect of missense changes on protein structure and function (PolyPhen-2) suggests that this variant is likely to be tolerated. ClinVar contains an entry for this variant (Variation ID: 1785730). This variant has not been reported in the literature in individuals affected with KIT-related conditions. This variant is not present in population databases (gnomAD no frequency). This sequence change replaces histidine, which is basic and polar, with leucine, which is neutral and non-polar, at codon 697 of the KIT protein (p.His697Leu).

Ambry Genetics
Classification: Uncertain significance for Hereditary cancer-predisposing syndrome. Last evaluated: 2022-02-05. Review status: criteria provided, single submitter. Criteria: Ambry Variant Classification Scheme 2023. Collection method: clinical testing. Allele origin: germline.
Comment: The p.H697L variant (also known as c.2090A>T), located in coding exon 14 of the KIT gene, results from an A to T substitution at nucleotide position 2090. The histidine at codon 697 is replaced by leucine, an amino acid with similar properties. This amino acid position is conserved. In addition, this alteration is predicted to be tolerated by in silico analysis. Since supporting evidence is limited at this time, the clinical significance of this alteration remains unclear.